The following is an entry in ClinVar:

ClinVar aggregate classification (germline): Pathogenic. Review status: criteria provided, multiple submitters, no conflicts (2 of 4 stars). 8 submissions from 8 submitters: Pathogenic (8). Last evaluated 2025-12-06.

Conditions:
Brooke-Spiegler syndrome. Also called: CYLD Cutaneous Syndrome. Identifiers: Orphanet 79493, MedGen C1857941, MONDO:0011512, OMIM 605041.
Familial cylindromatosis. Also called: Turban tumor syndrome; ANCELL-SPIEGLER CYLINDROMAS. Identifiers: Orphanet 211, Orphanet 79493, MedGen C1851526, MONDO:0007565, OMIM 132700.
Frontotemporal dementia and/or amyotrophic lateral sclerosis 8. Identifiers: MedGen C5436881, MONDO:0030872, OMIM 619132.
Trichoepithelioma, multiple familial, 1 (MFT1). Also called: BROOKE-FORDYCE TRICHOEPITHELIOMAS; EPITHELIOMA ADENOIDES CYSTICUM OF BROOKE; EPITHELIOMA, HEREDITARY MULTIPLE BENIGN CYSTIC. Identifiers: MedGen CN296585, MONDO:0042977, OMIM 601606.
Multiple monogenic benign skin tumours.

Allele frequency attached by ClinVar (database versions not stated): gnomAD exomes below 0.00001; gnomAD 0.00001; 1000 Genomes Project 30x 0.00031.
gnomAD v4.1: 7 of 1,576,666 alleles (0.00044%); highest among the groups gnomAD compares: African/African-American, 0.0013%; no homozygotes.

Submissions (8):

Genetics Laboratory, Great Ormond Street Hospital NHS Foundation Trust, North Thames Genomic Laboratory Hub
Classification: Pathogenic for Multiple monogenic benign skin tumours. Last evaluated: 2025-12-06. Review status: criteria provided, single submitter. Criteria: ACGS Best Practice Guidelines for Variant Classification in Rare Disease 2024 v1.2. Collection method: clinical testing. Allele origin: germline. Affected: yes.
Comment: PS4_moderate, PM2_supporting, PVS1_very-strong, PP4_supporting

Labcorp Genetics (formerly Invitae), Labcorp
Classification: Pathogenic. Last evaluated: 2025-10-23. Review status: criteria provided, single submitter. Criteria: Invitae Variant Classification Sherloc (09022015). Collection method: clinical testing. Allele origin: germline.
Comment: This sequence change creates a premature translational stop signal (p.Ser371*) in the CYLD gene. It is expected to result in an absent or disrupted protein product. Loss-of-function variants in CYLD are known to be pathogenic (PMID: 19462465). The frequency data for this variant in the population databases is considered unreliable, as metrics indicate poor data quality at this position in the gnomAD database. This premature translational stop signal has been observed in individual(s) with familial cylindromatosis (PMID: 10835629). ClinVar contains an entry for this variant (Variation ID: 267232). For these reasons, this variant has been classified as Pathogenic.

Fulgent Genetics
Classification: Pathogenic for Familial cylindromatosis; Trichoepithelioma, multiple familial, 1; Brooke-Spiegler syndrome; Frontotemporal dementia and/or amyotrophic lateral sclerosis 8. Last evaluated: 2024-06-24. Review status: criteria provided, single submitter. Criteria: ACMG Guidelines, 2015. Collection method: clinical testing. Allele origin: germline.

GeneDx
Classification: Pathogenic. Last evaluated: 2023-11-25. Review status: criteria provided, single submitter. Criteria: GeneDx Variant Classification Process June 2021. Collection method: clinical testing. Allele origin: germline. Affected: yes.
Comment: Nonsense variant predicted to result in protein truncation or nonsense mediated decay in a gene for which loss-of-function is a known mechanism of disease; This variant is associated with the following publications: (PMID: 21389835, 30246361, 25525159, 28423152, 29790471, 10835629, 21712687, 15854031, 24247569, 23249834)

Institute for Genomic Medicine (IGM) Clinical Laboratory, Nationwide Children's Hospital
Classification: Pathogenic for Brooke-Spiegler syndrome. Last evaluated: 2023-09-06. Review status: criteria provided, single submitter. Criteria: ACMG Guidelines, 2015. Collection method: clinical testing. Allele origin: germline.
Comment: This variant is predicted to result in loss of function through nonsense-mediated decay of the encoded transcript or premature truncation of the encoded protein in a gene in which loss of function is a known mechanism of disease (ACMG/AMP: PVS1). This variant has been reported at an elevated frequency in affected individuals/in multiple affected individuals in the literature (ACMG/AMP: PS4; PMIDs:29569226, 19462465, 15854031, 10835629, 25501176, 23249834). This variant is absent from or present at an exceedingly low frequency in gnomAD, a large-scale control population database (ACMG/AMP: PM2).

Baylor Genetics
Classification: Pathogenic for Frontotemporal dementia and/or amyotrophic lateral sclerosis 8. Last evaluated: 2022-09-28. Review status: criteria provided, single submitter. Criteria: ACMG Guidelines, 2015. Collection method: clinical testing. Allele origin: unknown.

Greenwood Genetic Center Diagnostic Laboratories, Greenwood Genetic Center
Classification: Pathogenic for Brooke-Spiegler syndrome; Familial cylindromatosis; Trichoepithelioma, multiple familial, 1. Last evaluated: 2021-09-29. Review status: criteria provided, single submitter. Criteria: ACMG Guidelines, 2015. Collection method: clinical testing. Allele origin: germline. Affected: yes.
Comment: PVS1, PS4, PM2

Genomic Diagnostic Laboratory, Division of Genomic Diagnostics, Children's Hospital of Philadelphia
Classification: Pathogenic for Cylindromatosis, familial. Last evaluated: 2016-09-23. Review status: criteria provided, single submitter. Criteria: DGD Variant Analysis Guidelines. Collection method: clinical testing. Allele origin: germline. Affected: yes. Observed: 4 variant alleles.
Comment: Clinical Testing

Literature cited by the submitters: PubMed 19462465 (cited by Labcorp Genetics (formerly Invitae), Labcorp and Institute for Genomic Medicine (IGM) Clinical Laboratory, Nationwide Children's Hospital); PubMed 10835629 (cited by Labcorp Genetics (formerly Invitae), Labcorp and Institute for Genomic Medicine (IGM) Clinical Laboratory, Nationwide Children's Hospital); PubMed 29569226 (cited by Institute for Genomic Medicine (IGM) Clinical Laboratory, Nationwide Children's Hospital); PubMed 15854031 (cited by Institute for Genomic Medicine (IGM) Clinical Laboratory, Nationwide Children's Hospital); PubMed 25501176 (cited by Institute for Genomic Medicine (IGM) Clinical Laboratory, Nationwide Children's Hospital); PubMed 23249834 (cited by Institute for Genomic Medicine (IGM) Clinical Laboratory, Nationwide Children's Hospital).

NM_001378743.1(CYLD):c.1112C>A (p.Ser371Ter)

Gene: CYLD (CYLD lysine 63 deubiquitinase; plus strand). Cytogenetic location: 16q12.1.
Variant type: single nucleotide variant.
Coding change: c.1112C>A on transcript NM_001378743.1 (MANE Select); coding-DNA position 1112, C replaced by A.
Protein change: p.Ser371Ter; replaces serine 371 with a stop codon.
Molecular consequence: nonsense. On other transcripts: non-coding transcript variant (1).
Genome position (GRCh38, 1-based): chr16:50,777,915, C>A. VCF-style: chr16-50777915-C-A. GRCh37 (hg19) VCF-style: chr16-50811826-C-A.
Other names: c.1103C>A, p.Ser368Ter (NM_001042355.2, NM_001042412.3, NM_001378744.1 and 9 more transcripts); c.437C>A, p.Ser146Ter (NM_001378754.1, NM_001378755.1); c.1112C>A, p.Ser371Ter (NM_015247.3); short protein forms S371*, S368*, S146*.
Identifiers: ClinVar variation 267232 (VCV000267232.13), dbSNP rs886040872, ClinGen allele CA10590069.